The following is an entry in ClinVar:

ClinVar aggregate classification (germline): Benign. Review status: criteria provided, multiple submitters, no conflicts (2 of 4 stars). 8 submissions from 8 submitters: Benign (5). 3 of the submissions do not count toward it. Last evaluated 2026-02-01.

Conditions:
Cardiomyopathy (CMYO). Also called: Cardiomyopathies. Identifiers: Orphanet 167848, MedGen C0878544, MONDO:0004994, HP:0001638. Inheritance: Various modes of inheritance.
Hypertrophic cardiomyopathy 1 (CMH1). Also called: Familial hypertrophic cardiomyopathy 1; MYH7-Related Familial Hypertrophic Cardiomyopathy. Identifiers: MedGen C3495498, MONDO:0008647, OMIM 192600.

Allele frequency attached by ClinVar (database versions not stated): 1000 Genomes Project 30x 0.00593; 1000 Genomes Project 0.00599; ExAC 0.01137; gnomAD 0.01179; TOPMed 0.01182; ESP Exome Variant Server 0.01438.
gnomAD v4.1: 27,126 of 1,613,686 alleles (1.7%); highest among the groups gnomAD compares: Non-Finnish European, 2.1%; 319 homozygotes.

Submissions (8):

Labcorp Genetics (formerly Invitae), Labcorp
Classification: Benign for Hypertrophic cardiomyopathy 1. Last evaluated: 2026-02-01. Review status: criteria provided, single submitter. Criteria: Invitae Variant Classification Sherloc (09022015). Collection method: clinical testing. Allele origin: germline.

ARUP Laboratories, Molecular Genetics and Genomics, ARUP Laboratories
Classification: Benign for Hypertrophic cardiomyopathy 1. Last evaluated: 2023-10-11. Review status: criteria provided, single submitter. Criteria: ARUP Molecular Germline Variant Investigation Process 2024. Collection method: clinical testing. Allele origin: germline.

GeneDx
Classification: Benign. Last evaluated: 2014-03-10. Review status: criteria provided, single submitter. Criteria: GeneDx Variant Classification (06012015). Collection method: clinical testing. Allele origin: germline. Affected: yes.
Comment: This variant is considered likely benign or benign based on one or more of the following criteria: it is a conservative change, it occurs at a poorly conserved position in the protein, it is predicted to be benign by multiple in silico algorithms, and/or has population frequency not consistent with disease.

Laboratory for Molecular Medicine, Mass General Brigham Personalized Medicine
Classification: Benign. Last evaluated: 2012-04-10. Review status: criteria provided, single submitter. Criteria: LMM Criteria. Collection method: clinical testing. Allele origin: germline. Observed: 54 variant alleles.

Breakthrough Genomics
Classification: Benign. Review status: criteria provided, single submitter. Criteria: ACMG Guidelines, 2015. Collection method: not provided. Allele origin: germline. Inheritance: Autosomal dominant inheritance. Affected: yes.

Women's Health and Genetics/Laboratory Corporation of America, LabCorp
Classification: Benign for Cardiomyopathy. Last evaluated: 2015-06-04. Review status: no assertion criteria provided. Collection method: clinical testing. Allele origin: germline. Not counted in ClinVar's aggregate classification.

Genome Diagnostics Laboratory, University Medical Center Utrecht
Classification: Benign. Review status: no assertion criteria provided. Collection method: clinical testing. Allele origin: germline. Affected: yes. Study: VKGL Data-share Consensus. Not counted in ClinVar's aggregate classification.

Joint Genome Diagnostic Labs from Nijmegen and Maastricht, Radboudumc and MUMC+
Classification: Benign. Review status: no assertion criteria provided. Collection method: clinical testing. Allele origin: germline. Affected: yes. Study: VKGL Data-share Consensus. Not counted in ClinVar's aggregate classification.

NM_033118.4(MYLK2):c.918C>T (p.Ala306=)

Gene: MYLK2 (myosin light chain kinase 2; plus strand). Cytogenetic location: 20q11.21.
Variant type: single nucleotide variant.
Coding change: c.918C>T on transcript NM_033118.4 (MANE Select); coding-DNA position 918, C replaced by T.
Protein change: p.Ala306=; no amino-acid change (alanine 306 retained).
Molecular consequence: synonymous variant.
Genome position (GRCh38, 1-based): chr20:31,824,298, C>T. VCF-style: chr20-31824298-C-T. GRCh37 (hg19) VCF-style: chr20-30412101-C-T.
Other names: p.A306A:GCC>GCT.
Identifiers: ClinVar variation 36654 (VCV000036654.25), dbSNP rs41293106, ClinGen allele CA138552.